The following is an entry in ClinVar:

ClinVar aggregate classification (germline): Likely benign. Review status: criteria provided, multiple submitters, no conflicts (2 of 4 stars). 2 submissions from 2 submitters: Likely benign (2). Last evaluated 2023-12-11.

Conditions:
Autosomal dominant nonsyndromic hearing loss 65. Also called: TBC1D24-Related Autosomal Dominant Nonsyndromic Hearing Loss (DFNA); Deafness, autosomal dominant 65. Identifiers: Orphanet 90635, MedGen C3892048, MONDO:0014470, OMIM 616044.
Developmental and epileptic encephalopathy, 1 (DEE1). Also called: Epileptic encephalopathy, early infantile, 1; X-linked infantile spasms; West's syndrome; Tonic spasms with clustering, arrest of psychomotor development and hypsarrhythmia on EEG; X-Linked Infantile Spasm Syndrome; OHTAHARA SYNDROME, X-LINKED. Identifiers: MedGen C3463992, MONDO:0010632, OMIM 308350. Disease mechanism: loss of function.

Allele frequency attached by ClinVar (database versions not stated): gnomAD exomes 0.00002; ExAC 0.00003.
gnomAD v4.1: 18 of 1,608,502 alleles (0.0011%); highest among the groups gnomAD compares: Middle Eastern, 0.017%; no homozygotes.

Submissions (2):

Labcorp Genetics (formerly Invitae), Labcorp
Classification: Likely benign for Developmental and epileptic encephalopathy, 1; Autosomal dominant nonsyndromic hearing loss 65. Last evaluated: 2023-12-11. Review status: criteria provided, single submitter. Criteria: Invitae Variant Classification Sherloc (09022015). Collection method: clinical testing. Allele origin: germline.

CeGaT Center for Human Genetics Tuebingen
Classification: Likely benign. Last evaluated: 2022-09-01. Review status: criteria provided, single submitter. Criteria: CeGaT Center For Human Genetics Tuebingen Variant Classification Criteria Version 2. Collection method: clinical testing. Allele origin: germline. Affected: yes. Observed: 1 variant allele.
Comment: TBC1D24: BP4, BP7

NM_001199107.2(TBC1D24):c.405G>A (p.Pro135=)

Gene: TBC1D24 (TBC1 domain family member 24; plus strand). Cytogenetic location: 16p13.3.
Variant type: single nucleotide variant.
Coding change: c.405G>A on transcript NM_001199107.2 (MANE Select); coding-DNA position 405, G replaced by A.
Protein change: p.Pro135=; no amino-acid change (proline 135 retained).
Molecular consequence: synonymous variant.
Genome position (GRCh38, 1-based): chr16:2,496,553, G>A. VCF-style: chr16-2496553-G-A. GRCh37 (hg19) VCF-style: chr16-2546554-G-A.
Other names: c.405G>A, p.Pro135= (NM_020705.3).
Identifiers: ClinVar variation 409618 (VCV000409618.33), dbSNP rs778663250, ClinGen allele CA7843993.
Genomic context (GRCh38, chr16:2,496,553, plus strand): 5'-CAAGATCCTCCTGTGCCTGGCCAACCAGTTCCCCGACATCTCCTTCTGCCCCGCCCTGCC[G>A]GCCGTGGTGGCCCTGCTGCTGCACTACAGCATCGACGAGGCCGAGTGCTTCGAGAAGGCC-3'
Protein context (NP_001186036.1, residues 125-145): FPDISFCPAL[Pro135=]AVVALLLHYS